The following is an entry in ClinVar:

ClinVar aggregate classification (germline): Uncertain significance. Review status: criteria provided, multiple submitters, no conflicts (2 of 4 stars). 2 submissions from 2 submitters: Uncertain significance (2). Last evaluated 2026-01-13.

Conditions:
Hypertrophic cardiomyopathy. Also called: HYPERTROPHIC MYOCARDIOPATHY. Identifiers: Orphanet 217569, MedGen C0007194, MeSH D002312, MONDO:0005045, HP:0001639.

gnomAD v4.1: 3 of 1,613,396 alleles (0.00019%); highest among the groups gnomAD compares: Non-Finnish European, 0.00017%; no homozygotes.

Submissions (2):

Labcorp Genetics (formerly Invitae), Labcorp
Classification: Uncertain significance for Hypertrophic cardiomyopathy. Last evaluated: 2026-01-13. Review status: criteria provided, single submitter. Criteria: Invitae Variant Classification Sherloc (09022015). Collection method: clinical testing. Allele origin: germline.
Comment: This sequence change replaces glycine, which is neutral and non-polar, with serine, which is neutral and polar, at codon 1260 of the MYBPC3 protein (p.Gly1260Ser). This variant is not present in population databases (gnomAD no frequency). This variant has not been reported in the literature in individuals affected with MYBPC3-related conditions. ClinVar contains an entry for this variant (Variation ID: 3074824). An algorithm developed to predict the effect of missense changes on protein structure and function (PolyPhen-2) suggests that this variant is likely to be disruptive. In summary, the available evidence is currently insufficient to determine the role of this variant in disease. Therefore, it has been classified as a Variant of Uncertain Significance.

All of Us Research Program, National Institutes of Health
Classification: Uncertain significance for Hypertrophic cardiomyopathy. Last evaluated: 2024-01-11. Review status: criteria provided, single submitter. Criteria: ACMG Guidelines, 2015. Collection method: clinical testing. Allele origin: germline. Inheritance: Autosomal dominant inheritance. Observed: 2 variant alleles, 2 heterozygotes.
Comment: This missense variant replaces glycine with serine at codon 1260 of the MYBPC3 protein. Computational prediction suggests that this variant may have deleterious impact on protein structure and function (internally defined REVEL score threshold >= 0.7, PMID: 27666373). To our knowledge, functional studies have not been reported for this variant. This variant has not been reported in individuals affected with MYBPC3-related disorders in the literature. This variant has not been identified in the general population by the Genome Aggregation Database (gnomAD). The available evidence is insufficient to determine the role of this variant in disease conclusively. Therefore, this variant is classified as a Variant of Uncertain Significance.

This study involves interpretation of variants in research participants for the purpose of population health screening. Participant phenotype was not available at the time of variant classification. Additional details can be found in publication PMID: 35346344, PMCID: PMC8962531

NM_000256.3(MYBPC3):c.3778G>A (p.Gly1260Ser)

Gene: MYBPC3 (myosin binding protein C3; minus strand). Cytogenetic location: 11p11.2.
Variant type: single nucleotide variant.
Coding change: c.3778G>A on transcript NM_000256.3 (MANE Select); coding-DNA position 3778, G replaced by A.
Protein change: p.Gly1260Ser; replaces glycine 1260 with serine.
Molecular consequence: missense variant.
Genome position (GRCh38, 1-based): chr11:47,332,108, C>T on the plus strand (G>A on the coding strand, the complement: MYBPC3 is on the minus strand). VCF-style: chr11-47332108-C-T. GRCh37 (hg19) VCF-style: chr11-47353659-C-T.
Other names: short protein forms G1260S.
Identifiers: ClinVar variation 3074824 (VCV003074824.2), dbSNP rs1555120117, ClinGen allele CA054928.